The following is an entry in ClinVar:

ClinVar aggregate classification (germline): Likely pathogenic (1 of 4 stars; one submission).

Submission:

CeGaT Center for Human Genetics Tuebingen
Classification: Likely pathogenic. Last evaluated: 2025-01-01. Review status: criteria provided, single submitter. Criteria: CeGaT Center For Human Genetics Tuebingen Variant Classification Criteria Version 2. Collection method: clinical testing. Allele origin: germline. Affected: yes. Observed: 2 variant alleles.
Comment: SLC6A8: PM2, PP4:Moderate, PS2:Moderate, PP2, PP3

NM_005629.4(SLC6A8):c.916T>C (p.Trp306Arg)

Gene: SLC6A8 (solute carrier family 6 member 8; plus strand). Cytogenetic location: Xq28.
Variant type: single nucleotide variant.
Coding change: c.916T>C on transcript NM_005629.4 (MANE Select); coding-DNA position 916, T replaced by C.
Protein change: p.Trp306Arg; replaces tryptophan 306 with arginine.
Molecular consequence: missense variant.
Genome position (GRCh38, 1-based): chrX:153,693,266, T>C. VCF-style: chrX-153693266-T-C. GRCh37 (hg19) VCF-style: chrX-152958721-T-C.
Other names: c.916T>C, p.Trp306Arg (NM_001142805.2); c.571T>C, p.Trp191Arg (NM_001142806.1); short protein forms W191R, W306R.
Identifiers: ClinVar variation 1013085 (VCV001013085.38), dbSNP rs2091467425, ClinGen allele CA415084401.